The following is an entry in ClinVar:

NM_080732.4(EGLN2):c.818G>T (p.Ser273Ile)

Genes: EGLN2 (egl-9 family hypoxia inducible factor 2; plus strand), RAB4B-EGLN2 (RAB4B-EGLN2 readthrough (NMD candidate); plus strand). Cytogenetic location: 19q13.2.
Variant type: single nucleotide variant.
Coding change: c.818G>T on transcript NM_080732.4 (MANE Select); coding-DNA position 818, G replaced by T.
Protein change: p.Ser273Ile; replaces serine 273 with isoleucine.
Molecular consequence: missense variant. On other transcripts: non-coding transcript variant (1).
Genome position (GRCh38, 1-based): chr19:40,801,390, G>T. VCF-style: chr19-40801390-G-T. GRCh37 (hg19) VCF-style: chr19-41307295-G-T.
Other names: c.818G>T, p.Ser273Ile (NM_053046.4); short protein forms S273I.
Identifiers: ClinVar variation 1762348 (VCV001762348.2), dbSNP rs2515995777, ClinGen allele CA405956035.

ClinVar aggregate classification (germline): Uncertain significance (1 of 4 stars; one submission).

Submission:

Ambry Genetics
Classification: Uncertain significance. Last evaluated: 2022-06-01. Review status: criteria provided, single submitter. Criteria: Ambry Variant Classification Scheme 2023. Collection method: clinical testing. Allele origin: germline.
Comment: The p.S273I variant (also known as c.818G>T), located in coding exon 1 of the EGLN2 gene, results from a G to T substitution at nucleotide position 818. The serine at codon 273 is replaced by isoleucine, an amino acid with dissimilar properties. This amino acid position is conserved. In addition, this alteration is predicted to be tolerated by in silico analysis. Since supporting evidence is limited at this time, the clinical significance of this alteration remains unclear.